The following is an entry in ClinVar:

NM_001011.4(RPS7):c.371C>A (p.Ala124Asp)

Gene: RPS7 (ribosomal protein S7; plus strand). Cytogenetic location: 2p25.3.
Variant type: single nucleotide variant.
Coding change: c.371C>A on transcript NM_001011.4 (MANE Select); coding-DNA position 371, C replaced by A.
Protein change: p.Ala124Asp; replaces alanine 124 with aspartic acid.
Molecular consequence: missense variant.
Genome position (GRCh38, 1-based): chr2:3,580,124, C>A. VCF-style: chr2-3580124-C-A. GRCh37 (hg19) VCF-style: chr2-3627714-C-A.
Other names: short protein forms A124D.
Identifiers: ClinVar variation 4729498 (VCV004729498.1).

ClinVar aggregate classification (germline): Uncertain significance (1 of 4 stars; one submission).

Conditions:
Diamond-Blackfan anemia 8 (DBA8). Also called: RPS7-Related Diamond-Blackfan Anemia. Identifiers: Orphanet 124, MedGen C2675511, MONDO:0012939, OMIM 612563.

Submission:

Labcorp Genetics (formerly Invitae), Labcorp
Classification: Uncertain significance for Diamond-Blackfan anemia 8. Last evaluated: 2025-10-19. Review status: criteria provided, single submitter. Criteria: Invitae Variant Classification Sherloc (09022015). Collection method: clinical testing. Allele origin: germline.
Comment: This sequence change replaces alanine, which is neutral and non-polar, with aspartic acid, which is acidic and polar, at codon 124 of the RPS7 protein (p.Ala124Asp). This variant is not present in population databases (gnomAD no frequency). This variant has not been reported in the literature in individuals affected with RPS7-related conditions. An algorithm developed to predict the effect of missense changes on protein structure and function (PolyPhen-2) suggests that this variant is likely to be tolerated. In summary, the available evidence is currently insufficient to determine the role of this variant in disease. Therefore, it has been classified as a Variant of Uncertain Significance.